The following is an entry in ClinVar:

ClinVar aggregate classification (germline): Uncertain significance. Review status: criteria provided, multiple submitters, no conflicts (2 of 4 stars). 4 submissions from 4 submitters: Uncertain significance (4). Last evaluated 2025-09-29.

Conditions:
Inborn genetic diseases. Identifiers: MedGen C0950123, MeSH D030342.

Allele frequency attached by ClinVar (database versions not stated): gnomAD exomes 0.00002 and 0.00006; 1000 Genomes Project 30x 0.00016; TOPMed 0.00021; gnomAD 0.00025 and 0.00026.

Submissions (4):

GeneDx
Classification: Uncertain significance. Last evaluated: 2025-09-29. Review status: criteria provided, single submitter. Criteria: GeneDx Variant Classification Process June 2021. Collection method: clinical testing. Allele origin: germline. Affected: yes.
Comment: In silico analysis supports that this missense variant has a deleterious effect on protein structure/function; Has not been previously published as pathogenic or benign to our knowledge

Labcorp Genetics (formerly Invitae), Labcorp
Classification: Uncertain significance. Last evaluated: 2025-04-28. Review status: criteria provided, single submitter. Criteria: Invitae Variant Classification Sherloc (09022015). Collection method: clinical testing. Allele origin: germline.
Comment: This sequence change replaces proline, which is neutral and non-polar, with serine, which is neutral and polar, at codon 666 of the PDZD7 protein (p.Pro666Ser). This variant is present in population databases (no rsID available, gnomAD 0.07%). This variant has not been reported in the literature in individuals affected with PDZD7-related conditions. ClinVar contains an entry for this variant (Variation ID: 964117). Invitae Evidence Modeling of protein sequence and biophysical properties (such as structural, functional, and spatial information, amino acid conservation, physicochemical variation, residue mobility, and thermodynamic stability) indicates that this missense variant is not expected to disrupt PDZD7 protein function with a negative predictive value of 80%. In summary, the available evidence is currently insufficient to determine the role of this variant in disease. Therefore, it has been classified as a Variant of Uncertain Significance.

Blueprint Genetics
Classification: Uncertain significance. Last evaluated: 2022-06-17. Review status: criteria provided, single submitter. Criteria: ACMG Guidelines, 2015. Collection method: clinical testing. Allele origin: germline.

Ambry Genetics
Classification: Uncertain significance for Inborn genetic diseases. Last evaluated: 2021-07-09. Review status: criteria provided, single submitter. Criteria: Ambry Variant Classification Scheme 2023. Collection method: clinical testing. Allele origin: germline.

NM_001195263.2(PDZD7):c.1996C>T (p.Pro666Ser)

Gene: PDZD7 (PDZ domain containing 7; minus strand). Cytogenetic location: 10q24.31.
Variant type: single nucleotide variant.
Coding change: c.1996C>T on transcript NM_001195263.2 (MANE Select); coding-DNA position 1996, C replaced by T.
Protein change: p.Pro666Ser; replaces proline 666 with serine.
Molecular consequence: missense variant.
Genome position (GRCh38, 1-based): chr10:101,011,699, G>A on the plus strand (C>T on the coding strand, the complement: PDZD7 is on the minus strand). VCF-style: chr10-101011699-G-A. GRCh37 (hg19) VCF-style: chr10-102771456-G-A.
Other names: short protein forms P666S.
Identifiers: ClinVar variation 964117 (VCV000964117.13), dbSNP rs922807416, ClinGen allele CA212979446.